The following is an entry in ClinVar:

ClinVar aggregate classification (germline): Benign/Likely benign. Review status: criteria provided, multiple submitters, no conflicts (2 of 4 stars). 3 submissions from 3 submitters: Benign (1); Likely benign (2). Last evaluated 2025-11-05.

Allele frequency attached by ClinVar (database versions not stated): TOPMed 0.00008; gnomAD exomes 0.00003 and 0.00007; gnomAD 0.00006; ExAC 0.00007; ESP Exome Variant Server 0.00008.
gnomAD v4.1: 48 of 1,611,604 alleles (0.003%); highest among the groups gnomAD compares: Admixed American, 0.028%; no homozygotes.

Submissions (3):

Labcorp Genetics (formerly Invitae), Labcorp
Classification: Benign. Last evaluated: 2025-11-05. Review status: criteria provided, single submitter. Criteria: Invitae Variant Classification Sherloc (09022015). Collection method: clinical testing. Allele origin: germline.

CeGaT Center for Human Genetics Tuebingen
Classification: Likely benign. Last evaluated: 2024-11-01. Review status: criteria provided, single submitter. Criteria: CeGaT Center For Human Genetics Tuebingen Variant Classification Criteria Version 2. Collection method: clinical testing. Allele origin: germline. Affected: yes. Observed: 1 variant allele.
Comment: KAT6A: BP4, BP7

GeneDx
Classification: Likely benign. Last evaluated: 2020-12-02. Review status: criteria provided, single submitter. Criteria: GeneDx Variant Classification Process June 2021. Collection method: clinical testing. Allele origin: germline. Affected: yes.

NM_006766.5(KAT6A):c.2517T>C (p.Ala839=)

Gene: KAT6A (lysine acetyltransferase 6A; minus strand). Cytogenetic location: 8p11.21.
Variant type: single nucleotide variant.
Coding change: c.2517T>C on transcript NM_006766.5 (MANE Select); coding-DNA position 2517, T replaced by C.
Protein change: p.Ala839=; no amino-acid change (alanine 839 retained).
Molecular consequence: synonymous variant.
Genome position (GRCh38, 1-based): chr8:41,941,364, A>G on the plus strand (T>C on the coding strand, the complement: KAT6A is on the minus strand). VCF-style: chr8-41941364-A-G. GRCh37 (hg19) VCF-style: chr8-41798882-A-G.
Identifiers: ClinVar variation 1201486 (VCV001201486.22), dbSNP rs141724678, ClinGen allele CA4729885.